The following is an entry in ClinVar:

ClinVar aggregate classification (germline): Uncertain significance. Review status: criteria provided, multiple submitters, no conflicts (2 of 4 stars). 2 submissions from 2 submitters: Uncertain significance (2). Last evaluated 2024-10-16.

Conditions:
Basal cell nevus syndrome 2 (BCNS2). Also called: NEVOID BASAL CELL CARCINOMA SYNDROME 2. Identifiers: MedGen C5830451, MONDO:0958189, OMIM 620343.
Gorlin syndrome. Also called: Basal cell nevus syndrome; Nevoid Basal Cell Carcinoma Syndrome. Identifiers: Orphanet 377, MedGen C0004779, MONDO:0007187.
Medulloblastoma (MDB). Also called: MEDULLOBLASTOMA PREDISPOSITION SYNDROME; Medulloblastoma, somatic. Identifiers: Orphanet 616, MedGen C0025149, MeSH D008527, MONDO:0007959, OMIM 155255, HP:0002885.

Submissions (2):

Labcorp Genetics (formerly Invitae), Labcorp
Classification: Uncertain significance for Gorlin syndrome; Medulloblastoma. Last evaluated: 2024-10-16. Review status: criteria provided, single submitter. Criteria: Invitae Variant Classification Sherloc (09022015). Collection method: clinical testing. Allele origin: germline.
Comment: This sequence change falls in intron 2 of the SUFU gene. It does not directly change the encoded amino acid sequence of the SUFU protein. It affects a nucleotide within the consensus splice site. This variant is not present in population databases (gnomAD no frequency). This variant has not been reported in the literature in individuals affected with SUFU-related conditions. ClinVar contains an entry for this variant (Variation ID: 836447). Variants that disrupt the consensus splice site are a relatively common cause of aberrant splicing (PMID: 17576681, 9536098). RNA analysis performed to evaluate the impact of this variant on mRNA splicing indicates it does not significantly alter splicing (internal data). In summary, the available evidence is currently insufficient to determine the role of this variant in disease. Therefore, it has been classified as a Variant of Uncertain Significance.

Institute for Genomic Medicine (IGM) Clinical Laboratory, Nationwide Children's Hospital
Classification: Uncertain significance for Basal cell nevus syndrome 2. Last evaluated: 2024-09-03. Review status: criteria provided, single submitter. Criteria: ACMG Guidelines, 2015. Collection method: clinical testing. Allele origin: germline.
Comment: This variant is absent from or present at an exceedingly low frequency in gnomAD, a large-scale control population database (ACMG/AMP: PM2). This variant is predicted to alter protein function or structure, or disrupt splicing by multiple in silico tools (ACMG/AMP: PP3).

Literature cited by the submitters: PubMed 17576681 (cited by Labcorp Genetics (formerly Invitae), Labcorp); PubMed 9536098 (cited by Labcorp Genetics (formerly Invitae), Labcorp).

NM_016169.4(SUFU):c.317+5G>T

Gene: SUFU (SUFU negative regulator of hedgehog signaling; plus strand). Cytogenetic location: 10q24.32.
Variant type: single nucleotide variant.
Coding change: c.317+5G>T on transcript NM_016169.4 (MANE Select); 5 bases into the intron after coding-DNA position 317, G replaced by T.
Molecular consequence: intron variant.
Genome position (GRCh38, 1-based): chr10:102,509,308, G>T. VCF-style: chr10-102509308-G-T. GRCh37 (hg19) VCF-style: chr10-104269065-G-T.
Other names: c.317+5G>T (NM_001178133.2).
Identifiers: ClinVar variation 836447 (VCV000836447.12), dbSNP rs2062370553, ClinGen allele CA916081615.